The following is an entry in ClinVar:

ClinVar aggregate classification (germline): Pathogenic. Review status: criteria provided, multiple submitters, no conflicts (2 of 4 stars). 5 submissions from 5 submitters: Pathogenic (4). 1 of the submissions does not count toward it. Last evaluated 2026-02-03.

Conditions:
Neurofibromatosis, type 1 (NF1). Also called: VON RECKLINGHAUSEN DISEASE; Peripheral type neurofibromatosis; NEUROFIBROMATOSIS, TYPE I, SOMATIC; Neurofibromatosis, type I. Identifiers: Orphanet 636, MedGen C0027831, MONDO:0018975, OMIM 162200. Disease mechanism: loss of function.
Cafe au lait spots, multiple. Also called: Neurofibromatosis type 6. Identifiers: Orphanet 2678, MedGen C1861975, MONDO:0007245, OMIM 114030, HP:0007565. Disease mechanism: loss of function.
Hereditary cancer-predisposing syndrome. Also called: Neoplastic Syndromes, Hereditary; Hereditary Cancer Syndrome; Hereditary neoplastic syndrome; Tumor predisposition. Identifiers: Orphanet 140162, MedGen C0027672, MeSH D009386, MONDO:0015356.
Cardiovascular phenotype. Identifiers: MedGen CN230736.

Submissions (5):

GeneDx
Classification: Pathogenic. Last evaluated: 2026-02-03. Review status: criteria provided, single submitter. Criteria: GeneDx Variant Classification Process June 2021. Collection method: clinical testing. Allele origin: germline.
Comment: Identified in a patient with multiple caf-au-lait macules in published literature (PMID: 33443663); Not observed at significant frequency in large population cohorts (gnomAD); Canonical splice site variant predicted to result in an in-frame loss of the adjacent exon in a gene for which loss of function is a known mechanism of disease; Deletions involving coding exons of this gene are a known mechanism of disease (HGMD; other references); This variant is associated with the following publications: (PMID: 40169570, 25525159, 10543400, 33443663)

Ambry Genetics
Classification: Pathogenic for Cardiovascular phenotype; Hereditary cancer-predisposing syndrome. Last evaluated: 2025-07-17. Review status: criteria provided, single submitter. Criteria: Ambry Variant Classification Scheme 2023. Collection method: clinical testing. Allele origin: germline.
Comment: The c.2410-1G>A intronic pathogenic mutation results from a G to A substitution one nucleotide upstream from coding exon 21 of the NF1 gene. This alteration (referred to as IVS15-1G>A) was reported in an individual with a clinical diagnosis of neurofibromatosis type 1, and RT-PCR analysis demonstrated that this alteration disrupts splicing and results in a truncated transcript (Osborn MJ et al. Hum. Genet., 1999 Oct;105:327-32). This nucleotide position is highly conserved in available vertebrate species. In silico splice site analysis predicts that this alteration will weaken the native splice acceptor site and will result in the creation or strengthening of a novel splice acceptor site. RNA studies have demonstrated that this alteration results in abnormal splicing in the set of samples tested (Ambry internal data). This variant is considered to be rare based on population cohorts in the Genome Aggregation Database (gnomAD). Based on the supporting evidence, this variant is interpreted as a disease-causing mutation.

Labcorp Genetics (formerly Invitae), Labcorp
Classification: Pathogenic for Neurofibromatosis, type 1. Last evaluated: 2025-05-26. Review status: criteria provided, single submitter. Criteria: Invitae Variant Classification Sherloc (09022015). Collection method: clinical testing. Allele origin: germline.
Comment: This sequence change affects an acceptor splice site in intron 20 of the NF1 gene. RNA analysis indicates that disruption of this splice site induces altered splicing and may result in an absent or altered protein product. This variant is not present in population databases (gnomAD no frequency). Disruption of this splice site has been observed in individual(s) with neurofibromatosis type I (PMID: 10543400, 33443663). In at least one individual the variant was observed to be de novo. This variant is also known as IVS15–1G–A. ClinVar contains an entry for this variant (Variation ID: 373947). Studies have shown that disruption of this splice site results in activation of a cryptic splice site, and produces a non-functional protein and/or introduces a premature termination codon (PMID: 23913538). For these reasons, this variant has been classified as Pathogenic.

Genome-Nilou Lab
Classification: Pathogenic for Neurofibromatosis, type 1. Last evaluated: 2022-03-15. Review status: criteria provided, single submitter. Criteria: ACMG Guidelines, 2015. Collection method: clinical testing. Allele origin: germline. Affected: no.

Centre for Mendelian Genomics, University Medical Centre Ljubljana
Classification: Likely pathogenic for Cafe au lait spots, multiple. Last evaluated: 2016-06-06. Review status: no assertion criteria provided. Collection method: clinical testing. Allele origin: unknown. Affected: yes. Not counted in ClinVar's aggregate classification.

Literature cited by the submitters: PubMed 10543400 (cited by Ambry Genetics and Labcorp Genetics (formerly Invitae), Labcorp); PubMed 25525159 (cited by Ambry Genetics); PubMed 33443663 (cited by Labcorp Genetics (formerly Invitae), Labcorp); PubMed 23913538 (cited by Labcorp Genetics (formerly Invitae), Labcorp).

NM_001042492.3(NF1):c.2410-1G>A

Gene: NF1 (neurofibromin 1; plus strand). Cytogenetic location: 17q11.2.
Variant type: single nucleotide variant.
Coding change: c.2410-1G>A on transcript NM_001042492.3 (MANE Select); the canonical splice acceptor site of the intron before coding-DNA position 2410, G replaced by A.
Molecular consequence: splice acceptor variant.
Genome position (GRCh38, 1-based): chr17:31,229,024, G>A. VCF-style: chr17-31229024-G-A. GRCh37 (hg19) VCF-style: chr17-29556042-G-A.
Other names: c.2410-1G>A (NM_000267.4).
Identifiers: ClinVar variation 373947 (VCV000373947.15), dbSNP rs1057518792, ClinGen allele CA16043523.